The following is an entry in ClinVar:

NM_152866.3(MS4A1):c.454C>G (p.Leu152Val)

Gene: MS4A1 (membrane spanning 4-domains A1; plus strand). Cytogenetic location: 11q12.2.
Variant type: single nucleotide variant.
Coding change: c.454C>G on transcript NM_152866.3 (MANE Select); coding-DNA position 454, C replaced by G.
Protein change: p.Leu152Val; replaces leucine 152 with valine.
Molecular consequence: missense variant.
Genome position (GRCh38, 1-based): chr11:60,466,038, C>G. VCF-style: chr11-60466038-C-G. GRCh37 (hg19) VCF-style: chr11-60233511-C-G.
Other names: c.454C>G, p.Leu152Val (NM_021950.4, NM_152867.2); short protein forms L152V.
Identifiers: ClinVar variation 4773796 (VCV004773796.1).

ClinVar aggregate classification (germline): Uncertain significance (1 of 4 stars; one submission).

gnomAD v4.1: 1 of 1,613,686 alleles (0.000062%); highest among the groups gnomAD compares: Non-Finnish European, 0.000085%; no homozygotes.

Submission:

Labcorp Genetics (formerly Invitae), Labcorp
Classification: Uncertain significance. Last evaluated: 2025-02-20. Review status: criteria provided, single submitter. Criteria: Invitae Variant Classification Sherloc (09022015). Collection method: clinical testing. Allele origin: germline.
Comment: This sequence change replaces leucine, which is neutral and non-polar, with valine, which is neutral and non-polar, at codon 152 of the MS4A1 protein (p.Leu152Val). This variant is present in population databases (rs755920906, gnomAD 0.0009%). This variant has not been reported in the literature in individuals affected with MS4A1-related conditions. An algorithm developed to predict the effect of missense changes on protein structure and function (PolyPhen-2) suggests that this variant is likely to be disruptive. In summary, the available evidence is currently insufficient to determine the role of this variant in disease. Therefore, it has been classified as a Variant of Uncertain Significance.